The following is an entry in ClinVar:

NM_006996.3(SLC19A2):c.1098A>C (p.Leu366Phe)

Gene: SLC19A2 (solute carrier family 19 member 2; minus strand). Cytogenetic location: 1q24.2.
Variant type: single nucleotide variant.
Coding change: c.1098A>C on transcript NM_006996.3 (MANE Select); coding-DNA position 1098, A replaced by C.
Protein change: p.Leu366Phe; replaces leucine 366 with phenylalanine.
Molecular consequence: missense variant.
Genome position (GRCh38, 1-based): chr1:169,468,769, T>G on the plus strand (A>C on the coding strand, the complement: SLC19A2 is on the minus strand). VCF-style: chr1-169468769-T-G. GRCh37 (hg19) VCF-style: chr1-169438007-T-G.
Other names: c.495A>C, p.Leu165Phe (NM_001319667.1); short protein forms L165F, L366F.
Identifiers: ClinVar variation 4697240 (VCV004697240.1).

ClinVar aggregate classification (germline): Uncertain significance (1 of 4 stars; one submission).

gnomAD v4.1: 6 of 1,613,548 alleles (0.00037%); highest among the groups gnomAD compares: East Asian, 0.0067%; no homozygotes.

Submission:

Labcorp Genetics (formerly Invitae), Labcorp
Classification: Uncertain significance. Last evaluated: 2025-07-19. Review status: criteria provided, single submitter. Criteria: Invitae Variant Classification Sherloc (09022015). Collection method: clinical testing. Allele origin: germline.
Comment: This sequence change replaces leucine, which is neutral and non-polar, with phenylalanine, which is neutral and non-polar, at codon 366 of the SLC19A2 protein (p.Leu366Phe). This variant is present in population databases (rs752541355, gnomAD 0.006%). This variant has not been reported in the literature in individuals affected with SLC19A2-related conditions. Invitae Evidence Modeling of protein sequence and biophysical properties (such as structural, functional, and spatial information, amino acid conservation, physicochemical variation, residue mobility, and thermodynamic stability) indicates that this missense variant is expected to disrupt SLC19A2 protein function with a positive predictive value of 95%. In summary, the available evidence is currently insufficient to determine the role of this variant in disease. Therefore, it has been classified as a Variant of Uncertain Significance.